The following is an entry in ClinVar:

NM_006767.4(LZTR1):c.1616-1G>C

Gene: LZTR1 (leucine zipper like post translational regulator 1; plus strand). Cytogenetic location: 22q11.21.
Variant type: single nucleotide variant.
Coding change: c.1616-1G>C on transcript NM_006767.4 (MANE Select); the canonical splice acceptor site of the intron before coding-DNA position 1616, G replaced by C.
Molecular consequence: splice acceptor variant.
Genome position (GRCh38, 1-based): chr22:20,994,557, G>C. VCF-style: chr22-20994557-G-C. GRCh37 (hg19) VCF-style: chr22-21348846-G-C.
Identifiers: ClinVar variation 1776484 (VCV001776484.6), dbSNP rs777908919, ClinGen allele CA10119005.

ClinVar aggregate classification (germline): Likely pathogenic. Review status: criteria provided, multiple submitters, no conflicts (2 of 4 stars). 2 submissions from 2 submitters: Likely pathogenic (2). Last evaluated 2025-02-15.

Conditions:
Cardiovascular phenotype. Identifiers: MedGen CN230736.
Hereditary cancer-predisposing syndrome. Also called: Neoplastic Syndromes, Hereditary; Tumor predisposition; Hereditary Cancer Syndrome; Hereditary neoplastic syndrome. Identifiers: Orphanet 140162, MedGen C0027672, MeSH D009386, MONDO:0015356.

Allele frequency attached by ClinVar (database versions not stated): ExAC 0.00003.

Submissions (2):

Ambry Genetics
Classification: Likely pathogenic for Cardiovascular phenotype; Hereditary cancer-predisposing syndrome. Last evaluated: 2025-02-15. Review status: criteria provided, single submitter. Criteria: Ambry Variant Classification Scheme 2023. Collection method: clinical testing. Allele origin: germline.
Comment: The c.1616-1G>C intronic variant results from a G to C substitution one nucleotide upstream from coding exon 15 of the LZTR1 gene. Alterations that disrupt the canonical splice site are expected to cause aberrant splicing, resulting in an abnormal protein or a transcript that is subject to nonsense-mediated mRNA decay. In silico splice site analysis predicts that this alteration will weaken the native splice acceptor site; however, direct evidence is insufficient at this time (Ambry internal data). This nucleotide position is highly conserved in available vertebrate species. Loss-of-function variants in LZTR1 are related to an increased risk for schwannomas and autosomal recessive Noonan syndrome; however, such associations with autosomal dominant Noonan syndrome have not been observed (Piotrowski A et al. Nat Genet. 2014 Feb;46:182-7; Yamamoto GL et al. J Med Genet. 2015 Jun;52:413-21; Johnston JJ et al. Genet Med. 2018 10;20:1175-1185). Based on the supporting evidence, this variant is likely pathogenic for an increased risk of LZTR1-related schwannomatosis (SWN) and would be expected to cause autosomal recessive Noonan syndrome when present along with a second pathogenic or likely pathogenic variant on the other allele; however, the association of this alteration with autosomal dominant Noonan syndrome is unlikely.

Labcorp Genetics (formerly Invitae), Labcorp
Classification: Likely pathogenic. Last evaluated: 2024-12-09. Review status: criteria provided, single submitter. Criteria: Invitae Variant Classification Sherloc (09022015). Collection method: clinical testing. Allele origin: germline.
Comment: This sequence change affects an acceptor splice site in intron 14 of the LZTR1 gene. It is expected to disrupt RNA splicing. Variants that disrupt the donor or acceptor splice site typically lead to a loss of protein function (PMID: 16199547), and loss-of-function variants in LZTR1 are known to be pathogenic (PMID: 24362817, 25335493, 25480913, 25795793, 29469822, 30368668, 30442762, 30442766, 30481304, 30859559). This variant is present in population databases (rs777908919, gnomAD 0.002%). Disruption of this splice site has been observed in individual(s) with clinical features of Noonan syndrome (internal data). ClinVar contains an entry for this variant (Variation ID: 1776484). Algorithms developed to predict the effect of sequence changes on RNA splicing suggest that this variant may disrupt the consensus splice site. In summary, the currently available evidence indicates that the variant is pathogenic, but additional data are needed to prove that conclusively. Therefore, this variant has been classified as Likely Pathogenic.

Literature cited by the submitters: PubMed 16199547 (cited by Labcorp Genetics (formerly Invitae), Labcorp); PubMed 24362817 (cited by Labcorp Genetics (formerly Invitae), Labcorp); PubMed 25335493 (cited by Labcorp Genetics (formerly Invitae), Labcorp); PubMed 25480913 (cited by Labcorp Genetics (formerly Invitae), Labcorp); PubMed 25795793 (cited by Labcorp Genetics (formerly Invitae), Labcorp); PubMed 29469822 (cited by Labcorp Genetics (formerly Invitae), Labcorp); PubMed 30368668 (cited by Labcorp Genetics (formerly Invitae), Labcorp); PubMed 30442762 (cited by Labcorp Genetics (formerly Invitae), Labcorp); PubMed 30442766 (cited by Labcorp Genetics (formerly Invitae), Labcorp); PubMed 30481304 (cited by Labcorp Genetics (formerly Invitae), Labcorp); PubMed 30859559 (cited by Labcorp Genetics (formerly Invitae), Labcorp).